The following is an entry in ClinVar:

ClinVar aggregate classification (germline): Uncertain significance (1 of 4 stars; one submission).

Conditions:
Pityriasis rubra pilaris (PRP). Also called: Pityriasis rubra pilaris--familial type. Identifiers: Orphanet 2897, MedGen C0032027, MONDO:0100017, OMIM 173200, MONDO:0008251.
Psoriasis 2. Identifiers: MedGen C1864497, MONDO:0011269, OMIM 602723.

Submission:

Labcorp Genetics (formerly Invitae), Labcorp
Classification: Uncertain significance for Pityriasis rubra pilaris; Psoriasis 2. Last evaluated: 2023-11-03. Review status: criteria provided, single submitter. Criteria: Invitae Variant Classification Sherloc (09022015). Collection method: clinical testing. Allele origin: germline.
Comment: This sequence change replaces alanine, which is neutral and non-polar, with serine, which is neutral and polar, at codon 953 of the CARD14 protein (p.Ala953Ser). This variant is not present in population databases (gnomAD no frequency). This variant has not been reported in the literature in individuals affected with CARD14-related conditions. Advanced modeling of protein sequence and biophysical properties (such as structural, functional, and spatial information, amino acid conservation, physicochemical variation, residue mobility, and thermodynamic stability) performed at Invitae indicates that this missense variant is not expected to disrupt CARD14 protein function with a negative predictive value of 80%. In summary, the available evidence is currently insufficient to determine the role of this variant in disease. Therefore, it has been classified as a Variant of Uncertain Significance.

NM_001366385.1(CARD14):c.2857G>T (p.Ala953Ser)

Genes: CARD14 (caspase recruitment domain family member 14; plus strand), SGSH (N-sulfoglucosamine sulfohydrolase; minus strand). Cytogenetic location: 17q25.3.
Variant type: single nucleotide variant.
Coding change: c.2857G>T on transcript NM_001366385.1 (MANE Select); coding-DNA position 2857, G replaced by T.
Protein change: p.Ala953Ser; replaces alanine 953 with serine.
Molecular consequence: missense variant. On other transcripts: non-coding transcript variant (1).
Genome position (GRCh38, 1-based): chr17:80,208,187, G>T. VCF-style: chr17-80208187-G-T. GRCh37 (hg19) VCF-style: chr17-78181986-G-T.
Other names: c.2857G>T, p.Ala953Ser (NM_024110.4); short protein forms A953S.
Identifiers: ClinVar variation 2953539 (VCV002953539.3), dbSNP rs2041453648, ClinGen allele CA401357228.